The following is an entry in ClinVar:

NM_021072.4(HCN1):c.404T>G (p.Ile135Ser)

Gene: HCN1 (hyperpolarization activated cyclic nucleotide gated potassium channel 1; minus strand). Cytogenetic location: 5p12.
Variant type: single nucleotide variant.
Coding change: c.404T>G on transcript NM_021072.4 (MANE Select); coding-DNA position 404, T replaced by G.
Protein change: p.Ile135Ser; replaces isoleucine 135 with serine.
Molecular consequence: missense variant.
Genome position (GRCh38, 1-based): chr5:45,695,690, A>C on the plus strand (T>G on the coding strand, the complement: HCN1 is on the minus strand). VCF-style: chr5-45695690-A-C. GRCh37 (hg19) VCF-style: chr5-45695792-A-C.
Other names: short protein forms I135S.
Identifiers: ClinVar variation 3378290 (VCV003378290.1).

ClinVar aggregate classification (germline): Uncertain significance (1 of 4 stars; one submission).

Submission:

GeneDx
Classification: Uncertain significance. Last evaluated: 2024-05-11. Review status: criteria provided, single submitter. Criteria: GeneDx Variant Classification Process June 2021. Collection method: clinical testing. Allele origin: germline. Affected: yes.
Comment: Not observed at significant frequency in large population cohorts (gnomAD); In silico analysis supports that this missense variant has a deleterious effect on protein structure/function; Has not been previously published as pathogenic or benign to our knowledge